The following is an entry in ClinVar:

ClinVar aggregate classification (germline): Uncertain significance (1 of 4 stars; one submission).

gnomAD v4.1: 2 of 1,613,402 alleles (0.00012%); highest among the groups gnomAD compares: Non-Finnish European, 0.00017%; no homozygotes.

Submission:

Labcorp Genetics (formerly Invitae), Labcorp
Classification: Uncertain significance. Last evaluated: 2025-03-26. Review status: criteria provided, single submitter. Criteria: Invitae Variant Classification Sherloc (09022015). Collection method: clinical testing. Allele origin: germline.
Comment: This sequence change replaces glycine, which is neutral and non-polar, with aspartic acid, which is acidic and polar, at codon 154 of the SUCO protein (p.Gly154Asp). This variant is not present in population databases (gnomAD no frequency). This variant has not been reported in the literature in individuals affected with SUCO-related conditions. ClinVar contains an entry for this variant (Variation ID: 2896737). An algorithm developed to predict the effect of missense changes on protein structure and function outputs the following: PolyPhen-2: "Benign". The aspartic acid amino acid residue is found in multiple mammalian species, which suggests that this missense change does not adversely affect protein function. In summary, the available evidence is currently insufficient to determine the role of this variant in disease. Therefore, it has been classified as a Variant of Uncertain Significance.

NM_014283.5(SUCO):c.461G>A (p.Gly154Asp)

Gene: SUCO (SUN domain containing ossification factor; plus strand). Cytogenetic location: 1q24.3.
Variant type: single nucleotide variant.
Coding change: c.461G>A on transcript NM_014283.5 (MANE Select); coding-DNA position 461, G replaced by A.
Protein change: p.Gly154Asp; replaces glycine 154 with aspartic acid.
Molecular consequence: missense variant. On other transcripts: 5 prime UTR variant (1).
Genome position (GRCh38, 1-based): chr1:172,557,297, G>A. VCF-style: chr1-172557297-G-A. GRCh37 (hg19) VCF-style: chr1-172526437-G-A.
Other names: c.350G>A, p.Gly117Asp (NM_001282750.2); c.-1069G>A (NM_001282751.2); c.935G>A, p.Gly312Asp (NM_016227.4); short protein forms G154D, G117D, G312D.
Identifiers: ClinVar variation 2896737 (VCV002896737.3), dbSNP rs145242307, ClinGen allele CA343734888.